The following is an entry in ClinVar:

ClinVar aggregate classification (germline): Uncertain significance (1 of 4 stars; one submission).

Conditions:
TCOF1-related disorder. Also called: TCOF1-related condition.

gnomAD v4.1: 4 of 1,614,080 alleles (0.00025%); highest among the groups gnomAD compares: Admixed American, 0.0033%; no homozygotes.

Submission:

PreventionGenetics, part of Exact Sciences
Classification: Uncertain significance for TCOF1-related condition. Last evaluated: 2026-09-22. Review status: criteria provided, single submitter. Criteria: ACMG Guidelines, 2015. Collection method: clinical testing. Allele origin: germline.
Comment: The TCOF1 c.2351C>T variant is predicted to result in the amino acid substitution p.Ser784Leu. To our knowledge, this variant has not been reported in the literature. This variant is reported in 0.0058% of alleles in individuals of Latino descent in gnomAD. At this time, the clinical significance of this variant is uncertain due to the absence of conclusive functional and genetic evidence.

NM_001371623.1(TCOF1):c.2351C>T (p.Ser784Leu)

Gene: TCOF1 (treacle ribosome biogenesis factor 1; plus strand). Cytogenetic location: 5q32.
Variant type: single nucleotide variant.
Coding change: c.2351C>T on transcript NM_001371623.1 (MANE Select); coding-DNA position 2351, C replaced by T.
Protein change: p.Ser784Leu; replaces serine 784 with leucine.
Molecular consequence: missense variant.
Genome position (GRCh38, 1-based): chr5:150,378,915, C>T. VCF-style: chr5-150378915-C-T. GRCh37 (hg19) VCF-style: chr5-149758478-C-T.
Other names: c.2120C>T, p.Ser707Leu (NM_000356.4, NM_001135245.2, NM_001437406.1); c.2351C>T, p.Ser784Leu (NM_001008657.3, NM_001135243.2, NM_001135244.2 and 1 more transcripts); short protein forms S784L, S707L.
Identifiers: ClinVar variation 4996211 (VCV004996211.1).